The following is an entry in ClinVar:

ClinVar aggregate classification (germline): Likely benign. Review status: criteria provided, single submitter (1 of 4 stars). 2 submissions from 2 submitters: Likely benign (1). 1 of the submissions does not count toward it. Last evaluated 2025-03-26.

Conditions:
PCNT-related disorder. Also called: PCNT-related condition.

Allele frequency attached by ClinVar (database versions not stated): gnomAD 0.00001; TOPMed 0.00001; ExAC 0.00004.
gnomAD v4.1: 17 of 1,601,220 alleles (0.0011%); highest among the groups gnomAD compares: Admixed American, 0.0084%; no homozygotes.

Submissions (2):

Labcorp Genetics (formerly Invitae), Labcorp
Classification: Likely benign. Last evaluated: 2025-03-26. Review status: criteria provided, single submitter. Criteria: Invitae Variant Classification Sherloc (09022015). Collection method: clinical testing. Allele origin: germline.

PreventionGenetics, part of Exact Sciences
Classification: Likely benign for PCNT-related condition. Last evaluated: 2021-09-16. Review status: no assertion criteria provided. Collection method: clinical testing. Allele origin: germline. Not counted in ClinVar's aggregate classification.
Comment: This variant is classified as likely benign based on ACMG/AMP sequence variant interpretation guidelines (Richards et al. 2015 PMID: 25741868, with internal and published modifications).

NM_006031.6(PCNT):c.7674C>T (p.His2558=)

Gene: PCNT (pericentrin; plus strand). Cytogenetic location: 21q22.3.
Variant type: single nucleotide variant.
Coding change: c.7674C>T on transcript NM_006031.6 (MANE Select); coding-DNA position 7674, C replaced by T.
Protein change: p.His2558=; no amino-acid change (histidine 2558 retained).
Molecular consequence: synonymous variant.
Genome position (GRCh38, 1-based): chr21:46,428,574, C>T. VCF-style: chr21-46428574-C-T. GRCh37 (hg19) VCF-style: chr21-47848488-C-T.
Other names: c.7320C>T, p.His2440= (NM_001315529.2); c.7674C>T (NM_006031.5).
Identifiers: ClinVar variation 2068231 (VCV002068231.6), dbSNP rs756668261, ClinGen allele CA10080742.